The following is an entry in ClinVar:

NM_213599.3(ANO5):c.1169T>C (p.Met390Thr)

Gene: ANO5 (anoctamin 5; plus strand). Cytogenetic location: 11p14.3.
Variant type: single nucleotide variant.
Coding change: c.1169T>C on transcript NM_213599.3 (MANE Select); coding-DNA position 1169, T replaced by C.
Protein change: p.Met390Thr; replaces methionine 390 with threonine.
Molecular consequence: missense variant.
Genome position (GRCh38, 1-based): chr11:22,251,000, T>C. VCF-style: chr11-22251000-T-C. GRCh37 (hg19) VCF-style: chr11-22272546-T-C.
Other names: c.1166T>C, p.Met389Thr (NM_001142649.2); c.1127T>C, p.Met376Thr (NM_001410963.1); c.1124T>C, p.Met375Thr (NM_001410964.1); short protein forms M375T, M376T, M389T, M390T.
Identifiers: ClinVar variation 3753730 (VCV003753730.2).

ClinVar aggregate classification (germline): Uncertain significance (1 of 4 stars; one submission).

Conditions:
Gnathodiaphyseal dysplasia (GDD). Also called: GNATHODIAPHYSEAL SCLEROSIS; OSTEOGENESIS IMPERFECTA WITH UNUSUAL SKELETAL LESIONS. Identifiers: Orphanet 53697, MedGen C1833736, MONDO:0008151, OMIM 166260.
Autosomal recessive limb-girdle muscular dystrophy type 2L (LGMDR12). Also called: Limb-girdle muscular dystrophy, type 2L; MUSCULAR DYSTROPHY, LIMB-GIRDLE, AUTOSOMAL RECESSIVE 12; Limb-Girdle Muscular Dystrophy R12 Anoctamin-5-Related (LGMD-R12). Identifiers: Orphanet 206549, MedGen C1969785, MONDO:0012652, OMIM 611307.

gnomAD v4.1: 1 of 1,611,292 alleles (0.000062%); highest among the groups gnomAD compares: East Asian, 0.0022%; no homozygotes.

Submission:

Labcorp Genetics (formerly Invitae), Labcorp
Classification: Uncertain significance for Autosomal recessive limb-girdle muscular dystrophy type 2L; Gnathodiaphyseal dysplasia. Last evaluated: 2024-08-29. Review status: criteria provided, single submitter. Criteria: Invitae Variant Classification Sherloc (09022015). Collection method: clinical testing. Allele origin: germline.
Comment: This sequence change replaces methionine, which is neutral and non-polar, with threonine, which is neutral and polar, at codon 390 of the ANO5 protein (p.Met390Thr). This variant is not present in population databases (gnomAD no frequency). This variant has not been reported in the literature in individuals affected with ANO5-related conditions. Invitae Evidence Modeling of protein sequence and biophysical properties (such as structural, functional, and spatial information, amino acid conservation, physicochemical variation, residue mobility, and thermodynamic stability) indicates that this missense variant is expected to disrupt ANO5 protein function with a positive predictive value of 95%. In summary, the available evidence is currently insufficient to determine the role of this variant in disease. Therefore, it has been classified as a Variant of Uncertain Significance.